The following is an entry in ClinVar:

NM_001352754.2(ARMC9):c.51+2T>C

Gene: ARMC9 (armadillo repeat containing 9; plus strand). Cytogenetic location: 2q37.1.
Variant type: single nucleotide variant.
Coding change: c.51+2T>C on transcript NM_001352754.2 (MANE Select); the canonical splice donor site of the intron after coding-DNA position 51, T replaced by C.
Molecular consequence: splice donor variant.
Genome position (GRCh38, 1-based): chr2:231,206,291, T>C. VCF-style: chr2-231206291-T-C. GRCh37 (hg19) VCF-style: chr2-232071004-T-C.
Other names: c.51+2T>C (NM_001271466.4, NM_001352755.2, NM_001352756.2 and 5 more transcripts).
Identifiers: ClinVar variation 4722057 (VCV004722057.1).

ClinVar aggregate classification (germline): Likely pathogenic (1 of 4 stars; one submission).

Submission:

Labcorp Genetics (formerly Invitae), Labcorp
Classification: Likely pathogenic. Last evaluated: 2025-06-24. Review status: criteria provided, single submitter. Criteria: Invitae Variant Classification Sherloc (09022015). Collection method: clinical testing. Allele origin: germline.
Comment: This sequence change affects a donor splice site in intron 1 of the ARMC9 gene. It is expected to disrupt RNA splicing. Variants that disrupt the donor or acceptor splice site typically lead to a loss of protein function (PMID: 16199547), and loss-of-function variants in ARMC9 are known to be pathogenic (PMID: 28625504). This variant is not present in population databases (gnomAD no frequency). This variant has not been reported in the literature in individuals affected with ARMC9-related conditions. Algorithms developed to predict the effect of sequence changes on RNA splicing suggest that this variant may disrupt the consensus splice site. In summary, the currently available evidence indicates that the variant is pathogenic, but additional data are needed to prove that conclusively. Therefore, this variant has been classified as Likely Pathogenic.

Literature cited by the submitters: PubMed 16199547; PubMed 28625504.